The following is an entry in ClinVar:

NM_152296.5(ATP1A3):c.2977G>T (p.Glu993Ter)

Gene: ATP1A3 (ATPase Na+/K+ transporting subunit alpha 3; minus strand). Cytogenetic location: 19q13.2.
Variant type: single nucleotide variant.
Coding change: c.2977G>T on transcript NM_152296.5 (MANE Select); coding-DNA position 2977, G replaced by T.
Protein change: p.Glu993Ter; replaces glutamic acid 993 with a stop codon.
Molecular consequence: nonsense.
Genome position (GRCh38, 1-based): chr19:41,967,285, C>A on the plus strand (G>T on the coding strand, the complement: ATP1A3 is on the minus strand). VCF-style: chr19-41967285-C-A. GRCh37 (hg19) VCF-style: chr19-42471437-C-A.
Other names: c.3010G>T, p.Glu1004Ter (NM_001256213.2); c.3016G>T, p.Glu1006Ter (NM_001256214.2); short protein forms E1004*, E1006*, E993*.
Identifiers: ClinVar variation 4537991 (VCV004537991.1).

ClinVar aggregate classification (germline): Uncertain significance (1 of 4 stars; one submission).

Submission:

GeneDx
Classification: Uncertain significance. Last evaluated: 2025-06-09. Review status: criteria provided, single submitter. Criteria: GeneDx Variant Classification Process June 2021. Collection method: clinical testing. Allele origin: germline. Affected: yes.
Comment: Nonsense variant predicted to result in protein truncation as the last 21 amino acid(s) are lost with an unclear effect on protein function; Not observed at significant frequency in large population cohorts (gnomAD); Has not been previously published as pathogenic or benign to our knowledge